The following is an entry in ClinVar:

NM_024120.5(NDUFAF5):c.519+4A>G

Gene: NDUFAF5 (NADH:ubiquinone oxidoreductase complex assembly factor 5; plus strand). Cytogenetic location: 20p12.1.
Variant type: single nucleotide variant.
Coding change: c.519+4A>G on transcript NM_024120.5 (MANE Select); 4 bases into the intron after coding-DNA position 519, A replaced by G.
Molecular consequence: intron variant.
Genome position (GRCh38, 1-based): chr20:13,798,504, A>G. VCF-style: chr20-13798504-A-G. GRCh37 (hg19) VCF-style: chr20-13779150-A-G.
Other names: c.-43+4A>G (NM_001352407.2, NM_001352406.2); c.435+4A>G (NM_001039375.3); c.48+4A>G (NM_001352403.2); c.519+4A>G (NM_001352408.2, NM_024120.4).
Identifiers: ClinVar variation 972922 (VCV000972922.6), dbSNP rs373951216, ClinGen allele CA9767786.

ClinVar aggregate classification (germline): Conflicting classifications of pathogenicity. Review status: criteria provided, conflicting classifications (1 of 4 stars). 5 submissions from 5 submitters: Likely pathogenic (1); Uncertain significance (4). Last evaluated 2024-09-22.

Conditions:
Mitochondrial complex I deficiency, nuclear type 16. Also called: Mitochondrial complex 1 deficiency, nuclear type 16. Identifiers: MedGen C4748785, MONDO:0032621, OMIM 618238.
Leigh syndrome (NULS). Also called: Leigh Disease; Subacute necrotizing encephalopathy; Necrotizing encephalopathy infantile subacute of Leigh; Leigh's necrotizing encephalopathy; Leigh's disease; Leigh's syndrome. Identifiers: Orphanet 506, MedGen C2931891, MONDO:0009723, OMIM 256000.

Allele frequency attached by ClinVar (database versions not stated): gnomAD exomes 0.00002 and 0.00013; TOPMed 0.00004; gnomAD 0.00006; ExAC 0.00011.
gnomAD v4.1: 41 of 1,601,368 alleles (0.0026%); highest among the groups gnomAD compares: East Asian, 0.065%; no homozygotes.

Submissions (5):

Genomic Medicine Center of Excellence, King Faisal Specialist Hospital and Research Centre
Classification: Uncertain significance for Mitochondrial complex I deficiency, nuclear type 16. Last evaluated: 2024-09-22. Review status: criteria provided, single submitter. Criteria: ACMG Guidelines, 2015. Collection method: clinical testing. Allele origin: germline.

Department of Pathology and Laboratory Medicine, Sinai Health System
Classification: Uncertain significance for Mitochondrial complex I deficiency, nuclear type 16. Last evaluated: 2023-04-01. Review status: criteria provided, single submitter. Criteria: ACMG Guidelines, 2015. Collection method: research. Allele origin: germline.

Women's Health and Genetics/Laboratory Corporation of America, LabCorp
Classification: Uncertain significance. Last evaluated: 2022-02-21. Review status: criteria provided, single submitter. Criteria: LabCorp Variant Classification Summary - May 2015. Collection method: clinical testing. Allele origin: germline.
Comment: Variant summary: NDUFAF5 c.519+4A>G alters a conserved nucleotide located close to a canonical splice site and therefore could affect mRNA splicing, leading to a significantly altered protein sequence. 4/4 computational tools predict no significant impact on normal splicing. However, these predictions have yet to be confirmed by functional studies. The variant allele was found at a frequency of 0.00013 in 251048 control chromosomes, predominantly at a frequency of 0.0015 within the East Asian subpopulation in the gnomAD database. The observed variant frequency within East Asian control individuals in the gnomAD database is approximately 3 fold of the estimated maximal expected allele frequency for a pathogenic variant in NDUFAF5 causing Leigh Syndrome phenotype (0.00056), strongly suggesting that the variant is a benign polymorphism found primarily in populations of East Asian origin. c.519+4A>G has been reported in the literature in individuals affected with developmental disorders with metabolic disorder and mitochondrial encephalopathy (Dong_2020, Hu_2020). These data indicate that the variant may be associated with disease. To our knowledge, no experimental evidence demonstrating an impact on protein function has been reported. One ClinVar submitter (evaluation after 2014) cites the variant as likely pathogenic. Based on the evidence outlined above, the variant was classified as VUS-possibly benign.

Labcorp Genetics (formerly Invitae), Labcorp
Classification: Uncertain significance. Last evaluated: 2021-10-20. Review status: criteria provided, single submitter. Criteria: Invitae Variant Classification Sherloc (09022015). Collection method: clinical testing. Allele origin: germline.
Comment: This sequence change falls in intron 6 of the NDUFAF5 gene. It does not directly change the encoded amino acid sequence of the NDUFAF5 protein, but it affects a nucleotide within the consensus splice site of the intron. This variant is present in population databases (rs373951216, ExAC 0.1%). This variant has not been reported in the literature in individuals affected with NDUFAF5-related conditions. ClinVar contains an entry for this variant (Variation ID: 972922). Algorithms developed to predict the effect of sequence changes on RNA splicing suggest that this variant is not likely to affect RNA splicing. In summary, the available evidence is currently insufficient to determine the role of this variant in disease. Therefore, it has been classified as a Variant of Uncertain Significance.

The Molecular Genetic and Pathologic Diagnosis Center of Neuromuscular Disorder, Children's Hospital of Fudan University
Classification: Likely pathogenic for Leigh syndrome. Last evaluated: 2019-12-01. Review status: criteria provided, single submitter. Criteria: ACMG Guidelines, 2015. Collection method: clinical testing. Allele origin: germline. Affected: yes.

Literature cited by the submitters: PubMed 32005694 (cited by Women's Health and Genetics/Laboratory Corporation of America, LabCorp); PubMed 32348839 (cited by Women's Health and Genetics/Laboratory Corporation of America, LabCorp).